The following is an entry in ClinVar:

NM_000069.3(CACNA1S):c.5453G>A (p.Cys1818Tyr)

Gene: CACNA1S (calcium voltage-gated channel subunit alpha1 S; minus strand). Cytogenetic location: 1q32.1.
Variant type: single nucleotide variant.
Coding change: c.5453G>A on transcript NM_000069.3 (MANE Select); coding-DNA position 5453, G replaced by A.
Protein change: p.Cys1818Tyr; replaces cysteine 1818 with tyrosine.
Molecular consequence: missense variant.
Genome position (GRCh38, 1-based): chr1:201,040,000, C>T on the plus strand (G>A on the coding strand, the complement: CACNA1S is on the minus strand). VCF-style: chr1-201040000-C-T. GRCh37 (hg19) VCF-style: chr1-201009128-C-T.
Other names: short protein forms C1818Y.
Identifiers: ClinVar variation 3072740 (VCV003072740.1), dbSNP rs2464387112, ClinGen allele CA344129278.

ClinVar aggregate classification (germline): Uncertain significance (1 of 4 stars; one submission).

Conditions:
Malignant hyperthermia, susceptibility to, 5 (MHS5). Also called: CACNA1S-Related Malignant Hyperthermia Susceptibility. Identifiers: Orphanet 423, MedGen C1866077, MONDO:0011163, OMIM 601887.

Submission:

All of Us Research Program, National Institutes of Health
Classification: Uncertain significance for Malignant hyperthermia, susceptibility to, 5. Last evaluated: 2023-08-15. Review status: criteria provided, single submitter. Criteria: ACMG Guidelines, 2015. Collection method: clinical testing. Allele origin: germline. Inheritance: Autosomal dominant inheritance. Observed: 1 variant allele, 1 heterozygote.
Comment: This missense variant replaces cysteine with tyrosine at codon 1818 of the CACNA1S protein. Computational prediction suggests that this variant may not impact protein structure and function (internally defined REVEL score threshold <= 0.5, PMID: 27666373). To our knowledge, functional studies have not been reported for this variant. This variant has not been reported in individuals affected with CACNA1S-related disorders in the literature. This variant has not been identified in the general population by the Genome Aggregation Database (gnomAD). The available evidence is insufficient to determine the role of this variant in disease conclusively. Therefore, this variant is classified as a Variant of Uncertain Significance.

This study involves interpretation of variants in research participants for the purpose of population health screening. Participant phenotype was not available at the time of variant classification. Additional details can be found in publication PMID: 35346344, PMCID: PMC8962531